The following is an entry in ClinVar:

ClinVar aggregate classification (germline): Uncertain significance (1 of 4 stars; one submission).

gnomAD v4.1: 1 of 1,614,152 alleles (0.000062%); highest among the groups gnomAD compares: East Asian, 0.0022%; no homozygotes.

Submission:

Women's Health and Genetics/Laboratory Corporation of America, LabCorp
Classification: Uncertain significance. Last evaluated: 2025-10-21. Review status: criteria provided, single submitter. Criteria: LabCorp Variant Classification Summary - May 2015. Collection method: clinical testing. Allele origin: germline.
Comment: Variant summary: HBB c.325A>C (p.Asn109His) results in a conservative amino acid change in the encoded protein sequence. Algorithms developed to predict the effect of missense changes on protein structure and function are either unavailable or do not agree on the potential impact of this missense change. The variant was absent in 251204 control chromosomes. The available data on variant occurrences in the general population are insufficient to allow any conclusion about variant significance. To our knowledge, no occurrence of c.325A>C in individuals affected with HBB-related conditions and no experimental evidence demonstrating its impact on protein function have been reported. Additionally, at least one variant at the Asn109 residue has been reported Likely Pathogenic at our lab (Asn109Lys). No submitters have cited clinical-significance assessments for this variant to ClinVar. Based on the evidence outlined above, the variant was classified as uncertain significance.

NM_000518.5(HBB):c.325A>C (p.Asn109His)

Genes: HBB (hemoglobin subunit beta; minus strand), LOC110006319 (beta-globin gene 3' regulatory region; plus strand), LOC107133510 (origin of replication at HBB; plus strand). Cytogenetic location: 11p15.4.
Variant type: single nucleotide variant.
Coding change: c.325A>C on transcript NM_000518.5 (MANE Select); coding-DNA position 325, A replaced by C.
Protein change: p.Asn109His; replaces asparagine 109 with histidine.
Molecular consequence: missense variant.
Genome position (GRCh38, 1-based): chr11:5,225,717, T>G on the plus strand (A>C on the coding strand, the complement: HBB is on the minus strand). VCF-style: chr11-5225717-T-G. GRCh37 (hg19) VCF-style: chr11-5246947-T-G.
Other names: short protein forms N109H.
Identifiers: ClinVar variation 4687131 (VCV004687131.1).